The following is an entry in ClinVar:

NM_001558.4(IL10RA):c.1699A>C (p.Thr567Pro)

Gene: IL10RA (interleukin 10 receptor subunit alpha; plus strand). Cytogenetic location: 11q23.3.
Variant type: single nucleotide variant.
Coding change: c.1699A>C on transcript NM_001558.4 (MANE Select); coding-DNA position 1699, A replaced by C.
Protein change: p.Thr567Pro; replaces threonine 567 with proline.
Molecular consequence: missense variant. On other transcripts: non-coding transcript variant (1).
Genome position (GRCh38, 1-based): chr11:117,999,603, A>C. VCF-style: chr11-117999603-A-C. GRCh37 (hg19) VCF-style: chr11-117870318-A-C.
Other names: short protein forms T567P.
Identifiers: ClinVar variation 1039198 (VCV001039198.7), dbSNP rs1447881842, ClinGen allele CA382782918.

ClinVar aggregate classification (germline): Uncertain significance (1 of 4 stars; one submission).

Conditions:
Inflammatory bowel disease 28. Also called: Inflammatory bowel disease 28, early onset, autosomal recessive. Identifiers: Orphanet 238569, MedGen C2751053, MONDO:0013153, OMIM 613148.

Allele frequency attached by ClinVar (database versions not stated): gnomAD exomes below 0.00001.
gnomAD v4.1: 4 of 1,613,992 alleles (0.00025%); highest among the groups gnomAD compares: Non-Finnish European, 0.00034%; no homozygotes.

Submission:

Labcorp Genetics (formerly Invitae), Labcorp
Classification: Uncertain significance for Inflammatory bowel disease 28. Last evaluated: 2020-09-20. Review status: criteria provided, single submitter. Criteria: Invitae Variant Classification Sherloc (09022015). Collection method: clinical testing. Allele origin: germline.
Comment: This sequence change replaces threonine with proline at codon 567 of the IL10RA protein (p.Thr567Pro). The threonine residue is highly conserved and there is a small physicochemical difference between threonine and proline. This variant is not present in population databases (ExAC no frequency). This variant has not been reported in the literature in individuals with IL10RA-related conditions. Algorithms developed to predict the effect of missense changes on protein structure and function are either unavailable or do not agree on the potential impact of this missense change (SIFT: "Deleterious"; PolyPhen-2: "Possibly Damaging"; Align-GVGD: "Class C0"). In summary, the available evidence is currently insufficient to determine the role of this variant in disease. Therefore, it has been classified as a Variant of Uncertain Significance.